The following is an entry in ClinVar:

ClinVar aggregate classification (germline): Uncertain significance (1 of 4 stars; one submission).

Conditions:
Progressive myoclonic epilepsy type 7. Identifiers: Orphanet 435438, MedGen C4015420, MONDO:0014521, OMIM 616187.

Submission:

Labcorp Genetics (formerly Invitae), Labcorp
Classification: Uncertain significance for Progressive myoclonic epilepsy type 7. Last evaluated: 2025-10-15. Review status: criteria provided, single submitter. Criteria: Invitae Variant Classification Sherloc (09022015). Collection method: clinical testing. Allele origin: germline.
Comment: This variant, c.400_414del, results in the deletion of 5 amino acid(s) of the KCNC1 protein (p.Ala134_Gly138del), but otherwise preserves the integrity of the reading frame. This variant is not present in population databases (gnomAD no frequency). This variant has not been reported in the literature in individuals affected with KCNC1-related conditions. ClinVar contains an entry for this variant (Variation ID: 2851188). Experimental studies and prediction algorithms are not available or were not evaluated, and the functional significance of this variant is currently unknown. In summary, the available evidence is currently insufficient to determine the role of this variant in disease. Therefore, it has been classified as a Variant of Uncertain Significance.

NM_001112741.2(KCNC1):c.400_414del (p.Ala134_Gly138del)

Gene: KCNC1 (potassium voltage-gated channel subfamily C member 1; plus strand). Cytogenetic location: 11p15.1.
Variant type: Deletion.
Coding change: c.400_414del on transcript NM_001112741.2 (MANE Select); coding-DNA positions 400 to 414, 15 bases deleted (GCGGACGCCGACGGC).
Protein change: p.Ala134_Gly138del.
Molecular consequence: inframe deletion.
Genome position (GRCh38, 1-based): chr11:17,736,402-17,736,416, GCGGACGCCGACGGC deleted; deleting any 15 consecutive bases within chr11:17,736,401-17,736,416 gives the same sequence; the c. name uses the placement nearest the transcript's 3' end. VCF-style (leftmost placement, unchanged base first): chr11-17736400-ACGCGGACGCCGACGG-A. GRCh37 (hg19) VCF-style: chr11-17757947-ACGCGGACGCCGACGG-A.
Other names: c.400_414del, p.Ala134_Gly138del (NM_004976.4).
Identifiers: ClinVar variation 2851188 (VCV002851188.3), dbSNP rs1848766197, ClinGen allele CA1955284475.
Genomic context (GRCh38, chr11:17,736,400, plus strand): 5'-GCGACGCCGAGGAGGCTCTGGACAGCTTCGGCGGCGCTCCTCTGGACAACAGCGCCGACG[ACGCGGACGCCGACGG>A]CCCTGGCGACTCGGGCGACGGCGAGGACGAGCTGGAGATGACCAAGCGCCTGGCGCTCAG-3'